The following is an entry in ClinVar:

ClinVar aggregate classification (germline): Benign (1 of 4 stars; one submission).

Conditions:
MEG3-related disorder. Also called: MEG3-related condition.

gnomAD v4.1: 40,431 of 173,858 alleles (23%); highest among the groups gnomAD compares: Admixed American, 31%; 5,102 homozygotes.

Submission:

PreventionGenetics, part of Exact Sciences
Classification: Benign for MEG3-related condition. Last evaluated: 2025-07-31. Review status: criteria provided, single submitter. Criteria: ACMG Guidelines, 2015. Collection method: clinical testing. Allele origin: germline.
Comment: This variant is classified as benign based on ACMG/AMP sequence variant interpretation guidelines (Richards et al. 2015 PMID: 25741868, with internal and published modifications).

NR_190993.1(MEG3):n.1303C>T

Gene: MEG3 (maternally expressed 3; plus strand). Cytogenetic location: 14q32.2.
Variant type: single nucleotide variant.
Molecular consequence: non-coding transcript variant (on NR_190993.1). On other transcripts: intron variant (1).
Genome position: GRCh38 VCF-style: chr14-100835749-C-T. GRCh37 (hg19) VCF-style: chr14-101302086-C-T.
Identifiers: ClinVar variation 4977407 (VCV004977407.1).
Genomic context (GRCh38, chr14:100,835,749, plus strand): 5'-ACTCCCCTGCCCCAGGAGCCACTCCCACTCCAGCTGCCTGTTTCCAGCAGGTTCCCAGTG[C>T]CCCCGACAAGCCCCTGCTGGTGTCTCCATCTCCTGCCAAGCATCCTCCAGTGCCTCCTCC-3'